The following is an entry in ClinVar:

NC_000023.11:g.(?_71223168)_(71224579_?)del

Gene: GJB1 (gap junction protein beta 1; plus strand). Cytogenetic location: Xq13.1.
Variant type: Deletion.
Identifiers: ClinVar variation 477588 (VCV000477588.2).

ClinVar aggregate classification (germline): Pathogenic (1 of 4 stars; one submission).

Conditions:
Charcot-Marie-Tooth Neuropathy X. Identifiers: MedGen CN118851.

Submission:

Labcorp Genetics (formerly Invitae), Labcorp
Classification: Pathogenic for Charcot-Marie-Tooth Neuropathy X. Last evaluated: 2018-09-24. Review status: criteria provided, single submitter. Criteria: Invitae Variant Classification Sherloc (09022015). Collection method: clinical testing. Allele origin: germline.
Comment: A gross deletion of the genomic region encompassing the full coding sequence of the GJB1 gene has been identified. The boundaries of this event are unknown as the deletion extends beyond the assayed region for this gene and therefore may encompass additional genes. Whole-gene deletions of GJB1 have been reported in the literature in individuals and to segregate in families affected with Charcot-Marie-Tooth disease (PMID: 11266688, 9760211, 10586261, 10587015, Invitae database). Loss-of-function variants in GJB1 are known to be pathogenic (PMID: 17353473). For these reasons, this variant has been classified as Pathogenic.

Literature cited by the submitters: PubMed 10587015; PubMed 9760211; PubMed 11266688; PubMed 10586261.